The following is an entry in ClinVar:

ClinVar aggregate classification (germline): Uncertain significance (1 of 4 stars; one submission).

Submission:

Labcorp Genetics (formerly Invitae), Labcorp
Classification: Uncertain significance. Last evaluated: 2022-03-12. Review status: criteria provided, single submitter. Criteria: Invitae Variant Classification Sherloc (09022015). Collection method: clinical testing. Allele origin: germline.
Comment: This variant has not been reported in the literature in individuals affected with GHRHR-related conditions. This variant is not present in population databases (gnomAD no frequency). Algorithms developed to predict the effect of missense changes on protein structure and function are either unavailable or do not agree on the potential impact of this missense change (SIFT: "Deleterious"; PolyPhen-2: "Benign"; Align-GVGD: "Class C15"). In summary, the available evidence is currently insufficient to determine the role of this variant in disease. Therefore, it has been classified as a Variant of Uncertain Significance. This sequence change replaces aspartic acid, which is acidic and polar, with asparagine, which is neutral and polar, at codon 193 of the GHRHR protein (p.Asp193Asn).

NM_000823.4(GHRHR):c.577G>A (p.Asp193Asn)

Gene: GHRHR (growth hormone releasing hormone receptor; plus strand). Cytogenetic location: 7p14.3.
Variant type: single nucleotide variant.
Coding change: c.577G>A on transcript NM_000823.4 (MANE Select); coding-DNA position 577, G replaced by A.
Protein change: p.Asp193Asn; replaces aspartic acid 193 with asparagine.
Molecular consequence: missense variant.
Genome position (GRCh38, 1-based): chr7:30,972,075, G>A. VCF-style: chr7-30972075-G-A. GRCh37 (hg19) VCF-style: chr7-31011690-G-A.
Other names: short protein forms D193N.
Identifiers: ClinVar variation 2096162 (VCV002096162.4), dbSNP rs2535100536, ClinGen allele CA367153523.
Genomic context (GRCh38, chr7:30,972,075, plus strand): 5'-ATCCTCAAGGCGGGAGCTGTGTTCCTGAAGGATGCTGCCCTTTTCCACAGCGACGACACT[G>A]ACCACTGCAGCTTCTCCACTGTAATGGCCATGGGTGAAGGGGCTGGGCAGGTGGGGGAGA-3'
Protein context (NP_000814.2, residues 183-203): DAALFHSDDT[Asp193Asn]HCSFSTVLCK